The following is an entry in ClinVar:

ClinVar aggregate classification (germline): Uncertain significance (1 of 4 stars; one submission).

Conditions:
Charcot-Marie-Tooth disease type 4. Also called: Charcot-Marie-Tooth, Type 4; Charcot-Marie-Tooth disease, type IV. Identifiers: Orphanet 64749, MedGen C4082197, MONDO:0018995.

Submission:

Labcorp Genetics (formerly Invitae), Labcorp
Classification: Uncertain significance for Charcot-Marie-Tooth disease type 4. Last evaluated: 2021-08-27. Review status: criteria provided, single submitter. Criteria: Invitae Variant Classification Sherloc (09022015). Collection method: clinical testing. Allele origin: germline.
Comment: This sequence change replaces phenylalanine with leucine at codon 467 of the SH3TC2 protein (p.Phe467Leu). The phenylalanine residue is highly conserved and there is a small physicochemical difference between phenylalanine and leucine. This variant is not present in population databases (ExAC no frequency). This variant has not been reported in the literature in individuals affected with SH3TC2-related conditions. Algorithms developed to predict the effect of missense changes on protein structure and function output the following: SIFT: "Tolerated"; PolyPhen-2: "Benign"; Align-GVGD: "Class C0". The leucine amino acid residue is found in multiple mammalian species, which suggests that this missense change does not adversely affect protein function. In summary, the available evidence is currently insufficient to determine the role of this variant in disease. Therefore, it has been classified as a Variant of Uncertain Significance.

NM_024577.4(SH3TC2):c.1401C>A (p.Phe467Leu)

Gene: SH3TC2 (SH3 domain and tetratricopeptide repeats 2; minus strand). Cytogenetic location: 5q32.
Variant type: single nucleotide variant.
Coding change: c.1401C>A on transcript NM_024577.4 (MANE Select); coding-DNA position 1401, C replaced by A.
Protein change: p.Phe467Leu; replaces phenylalanine 467 with leucine.
Molecular consequence: missense variant.
Genome position (GRCh38, 1-based): chr5:149,028,331, G>T on the plus strand (C>A on the coding strand, the complement: SH3TC2 is on the minus strand). VCF-style: chr5-149028331-G-T. GRCh37 (hg19) VCF-style: chr5-148407894-G-T.
Other names: short protein forms F467L.
Identifiers: ClinVar variation 580890 (VCV000580890.6), dbSNP rs150950962, ClinGen allele CA361668913.